The following is an entry in ClinVar:

NM_004360.5(CDH1):c.1684A>C (p.Thr562Pro)

Gene: CDH1 (cadherin 1; plus strand). Cytogenetic location: 16q22.1.
Variant type: single nucleotide variant.
Coding change: c.1684A>C on transcript NM_004360.5 (MANE Select); coding-DNA position 1684, A replaced by C.
Protein change: p.Thr562Pro; replaces threonine 562 with proline.
Molecular consequence: missense variant. On other transcripts: intron variant (1).
Genome position (GRCh38, 1-based): chr16:68,819,398, A>C. VCF-style: chr16-68819398-A-C. GRCh37 (hg19) VCF-style: chr16-68853301-A-C.
Other names: c.136A>C, p.Thr46Pro (NM_001317185.2); c.-254-2603A>C (NM_001317186.2); c.1501A>C, p.Thr501Pro (NM_001317184.2); short protein forms T46P, T501P, T562P.
Identifiers: ClinVar variation 1318677 (VCV001318677.8), dbSNP rs587782061, ClinGen allele CA283310465.

ClinVar aggregate classification (germline): Uncertain significance. Review status: criteria provided, multiple submitters, no conflicts (2 of 4 stars). 4 submissions from 4 submitters: Uncertain significance (4). Last evaluated 2024-05-21.

Conditions:
Hereditary cancer-predisposing syndrome. Also called: Neoplastic Syndromes, Hereditary; Hereditary Cancer Syndrome; Tumor predisposition; Hereditary neoplastic syndrome. Identifiers: Orphanet 140162, MedGen C0027672, MeSH D009386, MONDO:0015356.
Hereditary diffuse gastric adenocarcinoma (HDGC). Also called: DIFFUSE GASTRIC AND LOBULAR BREAST CANCER SYNDROME. Identifiers: Orphanet 26106, MedGen C1708349, MONDO:0007648, OMIM 137215.

Submissions (4):

Labcorp Genetics (formerly Invitae), Labcorp
Classification: Uncertain significance for Hereditary diffuse gastric adenocarcinoma. Last evaluated: 2024-05-21. Review status: criteria provided, single submitter. Criteria: Invitae Variant Classification Sherloc (09022015). Collection method: clinical testing. Allele origin: germline.
Comment: This sequence change replaces threonine, which is neutral and polar, with proline, which is neutral and non-polar, at codon 562 of the CDH1 protein (p.Thr562Pro). This variant is not present in population databases (gnomAD no frequency). This variant has not been reported in the literature in individuals affected with CDH1-related conditions. ClinVar contains an entry for this variant (Variation ID: 1318677). An algorithm developed to predict the effect of missense changes on protein structure and function (PolyPhen-2) suggests that this variant is likely to be disruptive. In summary, the available evidence is currently insufficient to determine the role of this variant in disease. Therefore, it has been classified as a Variant of Uncertain Significance.

Color Diagnostics, LLC DBA Color Health
Classification: Uncertain significance for Hereditary cancer-predisposing syndrome. Last evaluated: 2023-12-04. Review status: criteria provided, single submitter. Criteria: ACMG Guidelines, 2015. Collection method: clinical testing. Allele origin: germline.
Comment: This missense variant replaces threonine with proline at codon 562 of the CDH1 protein. To our knowledge, functional studies have not been reported for this variant. This variant has not been reported in individuals affected with hereditary cancer in the literature. This variant has not been identified in the general population by the Genome Aggregation Database (gnomAD). The available evidence is insufficient to determine the role of this variant in disease conclusively. Therefore, this variant is classified as a Variant of Uncertain Significance.

Ambry Genetics
Classification: Uncertain significance for Hereditary cancer-predisposing syndrome. Last evaluated: 2023-09-20. Review status: criteria provided, single submitter. Criteria: Ambry Variant Classification Scheme 2023. Collection method: clinical testing. Allele origin: germline.
Comment: The p.T562P variant (also known as c.1684A>C), located in coding exon 11 of the CDH1 gene, results from an A to C substitution at nucleotide position 1684. The threonine at codon 562 is replaced by proline, an amino acid with highly similar properties. This amino acid position is conserved. In addition, the in silico prediction for this alteration is inconclusive. Since supporting evidence is limited at this time, the clinical significance of this alteration remains unclear.

GeneDx
Classification: Uncertain significance. Last evaluated: 2019-12-03. Review status: criteria provided, single submitter. Criteria: GeneDx Variant Classification Process June 2021. Collection method: clinical testing. Allele origin: germline. Affected: yes.
Comment: Not observed in large population cohorts (Lek 2016); In silico analysis, which includes protein predictors and evolutionary conservation, supports that this variant does not alter protein structure/function; Has not been previously published as pathogenic or benign to our knowledge